The following is an entry in ClinVar:

ClinVar aggregate classification (germline): Uncertain significance (1 of 4 stars; one submission).

Conditions:
Malignant hyperthermia, susceptibility to, 1 (MHS1). Also called: RYR1-Related Malignant Hyperthermia Susceptibility; Malignant hyperthermia suceptibility 1; Anesthesia related hyperthermia; Malignant hyperpyrexia; Fulminating hyperpyrexia; Pharmacogenic myopathy. Identifiers: Orphanet 423, MedGen C2930980, MONDO:0007783, OMIM 145600.

gnomAD v4.1: 5 of 1,613,256 alleles (0.00031%); highest among the groups gnomAD compares: Non-Finnish European, 0.00042%; no homozygotes.

Submission:

Color Diagnostics, LLC DBA Color Health
Classification: Uncertain significance for Malignant hyperthermia, susceptibility to, 1. Last evaluated: 2025-09-11. Review status: criteria provided, single submitter. Criteria: ACMG Guidelines, 2015. Collection method: clinical testing. Allele origin: germline.
Comment: This missense variant replaces valine with isoleucine at codon 3161 of the RYR1 protein. Computational prediction suggests that this variant may not impact protein structure and function. To our knowledge, functional studies have not been reported for this variant. This variant has not been reported in individuals affected with RYR1-related disorders in the literature. This variant has been identified in 3/251062 chromosomes in the general population by the Genome Aggregation Database (gnomAD). The available evidence is insufficient to determine the role of this variant in disease conclusively. Therefore, this variant is classified as a Variant of Uncertain Significance.

NM_000540.3(RYR1):c.9481G>A (p.Val3161Ile)

Gene: RYR1 (ryanodine receptor 1; plus strand). Cytogenetic location: 19q13.2.
Variant type: single nucleotide variant.
Coding change: c.9481G>A on transcript NM_000540.3 (MANE Select); coding-DNA position 9481, G replaced by A.
Protein change: p.Val3161Ile; replaces valine 3161 with isoleucine.
Molecular consequence: missense variant.
Genome position (GRCh38, 1-based): chr19:38,515,034, G>A. VCF-style: chr19-38515034-G-A. GRCh37 (hg19) VCF-style: chr19-39005674-G-A.
Other names: c.9481G>A, p.Val3161Ile (NM_001042723.2); short protein forms V3161I.
Identifiers: ClinVar variation 4756318 (VCV004756318.1).